The following is an entry in ClinVar:

ClinVar aggregate classification (germline): Likely benign. Review status: reviewed by expert panel (3 of 4 stars). 3 submissions from 3 submitters: Likely benign (1). 2 of the submissions do not count toward it. Last evaluated 2017-06-29.

Conditions:
Hereditary cancer-predisposing syndrome. Also called: Hereditary neoplastic syndrome; Hereditary Cancer Syndrome; Neoplastic Syndromes, Hereditary; Tumor predisposition. Identifiers: Orphanet 140162, MedGen C0027672, MeSH D009386, MONDO:0015356.
Breast-ovarian cancer, familial, susceptibility to, 2 (BROVCA2). Also called: BRCA2 Hereditary Breast and Ovarian Cancer. Identifiers: Orphanet 145, MedGen C2675520, MONDO:0012933, OMIM 612555. Disease mechanism: loss of function.
Hereditary breast ovarian cancer syndrome. Also called: Hereditary breast and ovarian cancer syndrome; BRCA1- and BRCA2-Associated Hereditary Breast and Ovarian Cancer; Hereditary breast and/or ovarian cancer syndrome; Hereditary breast and ovarian cancer; Breast and ovarian cancer; Hereditary breast and ovarian cancer syndrome (HBOC). Identifiers: Orphanet 145, MedGen C0677776, MeSH D061325, MONDO:0003582. Disease mechanism: loss of function.

Allele frequency attached by ClinVar (database versions not stated): gnomAD below 0.00001 and 0.00001; ExAC 0.00002; gnomAD exomes 0.00002 and 0.00003.

Submissions (3):

Evidence-based Network for the Interpretation of Germline Mutant Alleles (ENIGMA)
Classification: Likely benign for Breast-ovarian cancer, familial, susceptibility to, 2. Last evaluated: 2017-06-29. Review status: reviewed by expert panel. Criteria: ENIGMA BRCA1/2 Classification Criteria (2017-06-29). Collection method: curation. Allele origin: germline.
Comment: Synonymous substitution variant, with low bioinformatic likelihood to result in a splicing aberration (Splicing prior probability 0.02).

Labcorp Genetics (formerly Invitae), Labcorp
Classification: Likely benign for Hereditary breast ovarian cancer syndrome. Last evaluated: 2026-01-19. Review status: criteria provided, single submitter. Criteria: Invitae Variant Classification Sherloc (09022015). Collection method: clinical testing. Allele origin: germline. Not counted in ClinVar's aggregate classification.

Ambry Genetics
Classification: Likely benign for Hereditary cancer-predisposing syndrome. Last evaluated: 2020-09-29. Review status: criteria provided, single submitter. Criteria: Ambry Variant Classification Scheme 2023. Collection method: clinical testing. Allele origin: germline. Not counted in ClinVar's aggregate classification.

NM_000059.4(BRCA2):c.8988A>G (p.Leu2996=)

Gene: BRCA2 (BRCA2 DNA repair associated; plus strand). Cytogenetic location: 13q13.1.
Variant type: single nucleotide variant.
Coding change: c.8988A>G on transcript NM_000059.4 (MANE Select); coding-DNA position 8988, A replaced by G.
Protein change: p.Leu2996=; no amino-acid change (leucine 2996 retained).
Molecular consequence: synonymous variant.
Genome position (GRCh38, 1-based): chr13:32,379,784, A>G. VCF-style: chr13-32379784-A-G. GRCh37 (hg19) VCF-style: chr13-32953921-A-G.
Identifiers: ClinVar variation 427462 (VCV000427462.14), dbSNP rs746348738, ClinGen allele CA6941327.